The following is an entry in ClinVar:

NM_000466.3(PEX1):c.1961_1962insCAGTGTGAA (p.Met654delinsIleSerValLys)

Gene: PEX1 (peroxisomal biogenesis factor 1; minus strand). Cytogenetic location: 7q21.2.
Variant type: Insertion.
Coding change: c.1961_1962insCAGTGTGAA on transcript NM_000466.3 (MANE Select); coding-DNA positions 1961 to 1962, CAGTGTGAA inserted.
Protein change: p.Met654delinsIleSerValLys.
Molecular consequence: inframe indel. On other transcripts: intron variant (1).
Genome position: GRCh38 VCF-style: chr7-92504841-C-CTTCACACTG. GRCh37 (hg19) VCF-style: chr7-92134155-C-CTTCACACTG.
Other names: c.1337_1338insCAGTGTGAA, p.Met446delinsIleSerValLys (NM_001282678.2); c.1900+1406_1900+1407insCAGTGTGAA (NM_001282677.2).
Identifiers: ClinVar variation 2499624 (VCV002499624.2), dbSNP rs2484668738, ClinGen allele CA2580077823.

ClinVar aggregate classification (germline): Likely pathogenic (1 of 4 stars; one submission).

Conditions:
Peroxisome biogenesis disorder 1A (Zellweger) (PBD1A). Also called: Zellweger leukodystrophy; Peroxisome biogenesis disorder 1a. Identifiers: MedGen C4721541, MONDO:0008953, OMIM 214100.

Submission:

Wangler Lab, Baylor College of Medicine
Classification: Likely pathogenic for Peroxisome biogenesis disorder 1A (Zellweger). Last evaluated: 2023-02-10. Review status: criteria provided, single submitter. Criteria: ACMG Guidelines, 2015. Collection method: research. Allele origin: unknown. Inheritance: Autosomal recessive inheritance. Affected: yes.
Comment: This 9bp insertion (c.1961_1962insCAGTGTGAA) was seen in trans with c.2528G>A (p.G843D), a well known pathogenic change to PEX1. This insertion was observed in an affected patient by Wangler et al. PMID: 29419819, it affects the length of the coding sequence (PM4), and it is not seen in population databases of healthy individuals (PM2). We interpret this variant as likely pathogenic.

Literature cited by the submitters: PubMed 29419819.